The following is an entry in ClinVar:

NM_000843.4(GRM6):c.1471G>A (p.Gly491Ser)

Genes: GRM6 (glutamate metabotropic receptor 6; minus strand), ZNF454 (zinc finger protein 454; plus strand). Cytogenetic location: 5q35.3.
Variant type: single nucleotide variant.
Coding change: c.1471G>A on transcript NM_000843.4 (MANE Select); coding-DNA position 1471, G replaced by A.
Protein change: p.Gly491Ser; replaces glycine 491 with serine.
Molecular consequence: missense variant.
Genome position (GRCh38, 1-based): chr5:178,986,867, C>T on the plus strand (G>A on the coding strand, the complement: GRM6 is on the minus strand). VCF-style: chr5-178986867-C-T. GRCh37 (hg19) VCF-style: chr5-178413868-C-T.
Other names: short protein forms G491S.
Identifiers: ClinVar variation 1524068 (VCV001524068.8), dbSNP rs2113330450, ClinGen allele CA362428796.
Genomic context (GRCh38, chr5:178,986,867, plus strand): 5'-TGCCCACCTGGGGCTCGGTCTGCACACTCACATCCAGTCTGAGGGTCTCTGCCCACTGGC[C>T]CACTGCCTGGTACCCGCCACTGCTGGCACTGCCATTGGTCGCCTGGTACTGGAAGATGTC-3'
Protein context (NP_000834.2, residues 481-501): SASSGGYQAV[Gly491Ser]QWAETLRLDV

ClinVar aggregate classification (germline): Uncertain significance (1 of 4 stars; one submission).

Submission:

Labcorp Genetics (formerly Invitae), Labcorp
Classification: Uncertain significance. Last evaluated: 2022-02-08. Review status: criteria provided, single submitter. Criteria: Invitae Variant Classification Sherloc (09022015). Collection method: clinical testing. Allele origin: germline.
Comment: In summary, the available evidence is currently insufficient to determine the role of this variant in disease. Therefore, it has been classified as a Variant of Uncertain Significance. Advanced modeling of protein sequence and biophysical properties (such as structural, functional, and spatial information, amino acid conservation, physicochemical variation, residue mobility, and thermodynamic stability) performed at Invitae indicates that this missense variant is expected to disrupt GRM6 protein function. This variant has not been reported in the literature in individuals affected with GRM6-related conditions. This variant is not present in population databases (gnomAD no frequency). This sequence change replaces glycine, which is neutral and non-polar, with serine, which is neutral and polar, at codon 491 of the GRM6 protein (p.Gly491Ser).